The following is an entry in ClinVar:

ClinVar aggregate classification (germline): Uncertain significance (1 of 4 stars; one submission).

Submission:

Labcorp Genetics (formerly Invitae), Labcorp
Classification: Uncertain significance. Last evaluated: 2022-08-23. Review status: criteria provided, single submitter. Criteria: Invitae Variant Classification Sherloc (09022015). Collection method: clinical testing. Allele origin: germline.
Comment: In summary, the available evidence is currently insufficient to determine the role of this variant in disease. Therefore, it has been classified as a Variant of Uncertain Significance. This variant has not been reported in the literature in individuals affected with MYH14-related conditions. This variant results in a copy number gain of the genomic region encompassing exon(s) 1-20 of the MYH14 gene. This region includes the initiator codon of the gene. This copy number gain extends beyond the assayed region for this gene and therefore may encompass additional genes. As the precise location of this event is unknown, it may be in tandem or it may be located elsewhere in the genome.

NC_000019.9:g.(?_50411496)_(50766697_?)dup

Genes: ATF5 (activating transcription factor 5; plus strand), IL4I1 (interleukin 4 induced 1; minus strand), IZUMO2 (IZUMO family member 2; minus strand), MYH14 (myosin heavy chain 14; plus strand), NUP62 (nucleoporin 62; minus strand) and 3 more. Cytogenetic location: 19q13.33.
Variant type: Duplication.
Identifiers: ClinVar variation 2426877 (VCV002426877.4).